The following is an entry in ClinVar:

ClinVar aggregate classification (germline): Likely pathogenic (1 of 4 stars; one submission).

Conditions:
Nephrotic syndrome, type 2 (NPHS2). Also called: NEPHROTIC SYNDROME, STEROID-RESISTANT, AUTOSOMAL RECESSIVE. Identifiers: Orphanet 656, MedGen C1868672, MONDO:0010974, OMIM 600995.

Submission:

Myriad Genetics, Inc.
Classification: Likely pathogenic for Nephrotic syndrome, type 2. Last evaluated: 2021-12-03. Review status: criteria provided, single submitter. Criteria: Myriad Women's Health Autosomal Recessive and X-Linked Classification Criteria (2021). Collection method: clinical testing. Allele origin: unknown.
Comment: NM_014625.2(NPHS2):c.635_636delAA(K212Sfs*21) is expected to be pathogenic in the context of nephrotic syndrome, NPHS2-related. This variant is predicted to lead to an abnormal or absent protein product due to the creation of a premature termination codon in NPHS2, a gene where loss-of-function variants are known to be pathogenic. Please note: this variant was assessed in the context of healthy population screening.

NM_014625.4(NPHS2):c.635_636del (p.Lys212fs)

Gene: NPHS2 (NPHS2 stomatin family member, podocin; minus strand). Cytogenetic location: 1q25.2.
Variant type: Deletion.
Coding change: c.635_636del on transcript NM_014625.4 (MANE Select); coding-DNA positions 635 to 636, 2 bases deleted (AA; older notation c.635_636delAA).
Protein change: p.Lys212fs; shifts the reading frame from lysine 212.
Molecular consequence: frameshift variant. On other transcripts: intron variant (1).
Genome position (GRCh38, 1-based): chr1:179,557,129-179,557,130, TT deleted on the plus strand (AA on the coding strand, the reverse complement: NPHS2 is on the minus strand); deleting any 2 consecutive bases within chr1:179,557,129-179,557,131 gives the same sequence; the c. name uses the placement nearest the transcript's 3' end. VCF-style (leftmost placement, unchanged base first): chr1-179557128-CTT-C. GRCh37 (hg19) VCF-style: chr1-179526263-CTT-C.
Other names: c.534+2549_534+2550del (NM_001297575.2); short protein forms K212fs.
Identifiers: ClinVar variation 1725480 (VCV001725480.2), dbSNP rs2526273002, ClinGen allele CA2580061532.